The following is an entry in ClinVar:

ClinVar aggregate classification (germline): Pathogenic/Likely pathogenic. Review status: criteria provided, multiple submitters, no conflicts (2 of 4 stars). 4 submissions from 4 submitters: Pathogenic (1); Likely pathogenic (2). 1 of the submissions does not count toward it. Last evaluated 2025-12-11.

Conditions:
Hereditary fructosuria. Also called: ALDOB DEFICIENCY; ALDOLASE B DEFICIENCY; FRUCTOSE-1,6-BISPHOSPHATE ALDOLASE B DEFICIENCY; FRUCTOSE-1-PHOSPHATE ALDOLASE DEFICIENCY; FRUCTOSEMIA; Fructose intolerance. Identifiers: Orphanet 469, MedGen C0016751, MONDO:0009249, OMIM 229600, HP:0005973. Disease mechanism: loss of function.

Submissions (4):

Labcorp Genetics (formerly Invitae), Labcorp
Classification: Pathogenic for Hereditary fructosuria. Last evaluated: 2025-12-11. Review status: criteria provided, single submitter. Criteria: Invitae Variant Classification Sherloc (09022015). Collection method: clinical testing. Allele origin: germline.
Comment: This sequence change creates a premature translational stop signal (p.Asp141Metfs*12) in the ALDOB gene. It is expected to result in an absent or disrupted protein product. Loss-of-function variants in ALDOB are known to be pathogenic (PMID: 18541450). This variant is present in population databases (no rsID available, gnomAD 0.003%). This variant has not been reported in the literature in individuals affected with ALDOB-related conditions. ClinVar contains an entry for this variant (Variation ID: 371627). For these reasons, this variant has been classified as Pathogenic.

Natera, Inc.
Classification: Likely pathogenic for Fructose intolerance. Last evaluated: 2025-05-14. Review status: criteria provided, single submitter. Criteria: Natera Variant Classification Schema (03/2026). Collection method: clinical testing. Allele origin: germline.
Comment: The c.420delA variant in ALDOB is a frameshift variant predicted to shift the reading frame beginning at codon 141 and leads to a stop codon 12 codons downstream. This variant is expected to result in nonsense mediated decay, truncation, or a dysfunctional protein product. This variant is rare in the general population with a frequency below the threshold expected for the associated phenotype(s). Given the available evidence, this variant is classified as Likely Pathogenic.

Baylor Genetics
Classification: Likely pathogenic for Hereditary fructosuria. Last evaluated: 2023-11-29. Review status: criteria provided, single submitter. Criteria: ACMG Guidelines, 2015. Collection method: clinical testing. Allele origin: unknown.

Counsyl
Classification: Likely pathogenic for Hereditary fructosuria. Last evaluated: 2016-11-01. Review status: no assertion criteria provided. Collection method: clinical testing. Allele origin: unknown. Not counted in ClinVar's aggregate classification.

Literature cited by the submitters: PubMed 18541450 (cited by Labcorp Genetics (formerly Invitae), Labcorp).

NM_000035.4(ALDOB):c.420del (p.Asp141fs)

Gene: ALDOB (aldolase, fructose-bisphosphate B; minus strand). Cytogenetic location: 9q31.1.
Variant type: Deletion.
Coding change: c.420del on transcript NM_000035.4 (MANE Select); coding-DNA position 420, one base deleted (A; older notation c.420delA).
Protein change: p.Asp141fs; shifts the reading frame from aspartic acid 141.
Molecular consequence: frameshift variant.
Genome position (GRCh38, 1-based): chr9:101,427,602, T deleted on the plus strand (A on the coding strand, the reverse complement: ALDOB is on the minus strand); the first of 3 consecutive T bases (chr9:101,427,602-101,427,604); deleting any one gives the same sequence. VCF-style (leftmost placement, unchanged base first): chr9-101427601-CT-C. GRCh37 (hg19) VCF-style: chr9-104189883-CT-C.
Other names: c.420del, p.Asp141fs (LRG_1244t1); short protein forms D141fs.
Identifiers: ClinVar variation 371627 (VCV000371627.7), dbSNP rs1057517421, ClinGen allele CA16041286.